The following is an entry in ClinVar:

NM_182961.4(SYNE1):c.15413C>T (p.Ala5138Val)

Gene: SYNE1 (spectrin repeat containing nuclear envelope protein 1; minus strand). Cytogenetic location: 6q25.2.
Variant type: single nucleotide variant.
Coding change: c.15413C>T on transcript NM_182961.4 (MANE Select); coding-DNA position 15413, C replaced by T.
Protein change: p.Ala5138Val; replaces alanine 5138 with valine.
Molecular consequence: missense variant.
Genome position (GRCh38, 1-based): chr6:152,325,983, G>A on the plus strand (C>T on the coding strand, the complement: SYNE1 is on the minus strand). VCF-style: chr6-152325983-G-A. GRCh37 (hg19) VCF-style: chr6-152647118-G-A.
Other names: c.15200C>T, p.Ala5067Val (NM_033071.5); c.15200C>T (NM_033071.3); short protein forms A5067V, A5138V.
Identifiers: ClinVar variation 586713 (VCV000586713.14), dbSNP rs143916942, ClinGen allele CA4055800.

ClinVar aggregate classification (germline): Uncertain significance. Review status: criteria provided, multiple submitters, no conflicts (2 of 4 stars). 4 submissions from 4 submitters: Uncertain significance (4). Last evaluated 2025-10-03.

Conditions:
Emery-Dreifuss muscular dystrophy 4, autosomal dominant (EDMD4). Also called: EMERY-DREIFUSS MUSCULAR DYSTROPHY 4 WITH VARIABLE FEATURES. Identifiers: Orphanet 261, MedGen C2751807, MONDO:0013071, OMIM 612998.
Autosomal recessive ataxia, Beauce type. Also called: SYNE1-Related Autosomal Recessive Cerebellar Ataxia; Spinocerebellar ataxia, autosomal recessive 8; ATAXIA, RECESSIVE, OF BEAUCE; SYNE1 Deficiency. Identifiers: Orphanet 88644, MedGen C1853116, MONDO:0012549, OMIM 610743.

Allele frequency attached by ClinVar (database versions not stated): TOPMed 0.00009; ESP Exome Variant Server 0.00015; 1000 Genomes Project 30x 0.00016; 1000 Genomes Project 0.00020; gnomAD exomes 0.00005; ExAC 0.00007; gnomAD 0.00007 and 0.00009.
gnomAD v4.1: 71 of 1,613,928 alleles (0.0044%); highest among the groups gnomAD compares: East Asian, 0.018%; no homozygotes.

Submissions (4):

Labcorp Genetics (formerly Invitae), Labcorp
Classification: Uncertain significance for Emery-Dreifuss muscular dystrophy 4, autosomal dominant; Autosomal recessive ataxia, Beauce type. Last evaluated: 2025-10-03. Review status: criteria provided, single submitter. Criteria: Invitae Variant Classification Sherloc (09022015). Collection method: clinical testing. Allele origin: germline.
Comment: This sequence change replaces alanine, which is neutral and non-polar, with valine, which is neutral and non-polar, at codon 5067 of the SYNE1 protein (p.Ala5067Val). This variant is present in population databases (rs143916942, gnomAD 0.02%). This variant has not been reported in the literature in individuals affected with SYNE1-related conditions. ClinVar contains an entry for this variant (Variation ID: 586713). An algorithm developed to predict the effect of missense changes on protein structure and function (PolyPhen-2) suggests that this variant is likely to be disruptive. In summary, the available evidence is currently insufficient to determine the role of this variant in disease. Therefore, it has been classified as a Variant of Uncertain Significance.

Athena Diagnostics
Classification: Uncertain significance. Last evaluated: 2021-03-22. Review status: criteria provided, single submitter. Criteria: Athena Diagnostics criteria. Collection method: clinical testing. Allele origin: unknown.

Revvity Omics, Revvity
Classification: Uncertain significance. Last evaluated: 2021-02-14. Review status: criteria provided, single submitter. Criteria: ACMG Guidelines, 2015. Collection method: clinical testing. Allele origin: germline.

Eurofins Ntd Llc (ga)
Classification: Uncertain significance. Last evaluated: 2017-08-29. Review status: criteria provided, single submitter. Criteria: EGL Classification Definitions 2015. Collection method: clinical testing. Allele origin: germline. Observed: 1 variant allele, 1 heterozygote.